The following is an entry in ClinVar:

NM_001035.3(RYR2):c.12946_12947del (p.Gly4316fs)

Genes: RYR2 (ryanodine receptor 2; plus strand), LOC126806068 (BRD4-independent group 4 enhancer GRCh37_chr1:237947411-237948610; plus strand). Cytogenetic location: 1q43.
Variant type: Deletion.
Coding change: c.12946_12947del on transcript NM_001035.3 (MANE Select); coding-DNA positions 12946 to 12947, 2 bases deleted (GG; older notation c.12946_12947delGG).
Protein change: p.Gly4316fs; shifts the reading frame from glycine 4316.
Molecular consequence: frameshift variant.
Genome position (GRCh38, 1-based): chr1:237,784,658-237,784,659, GG deleted; deleting any 2 consecutive bases within chr1:237,784,655-237,784,659 gives the same sequence; the c. name uses the placement nearest the transcript's 3' end. VCF-style (leftmost placement, unchanged base first): chr1-237784654-TGG-T. GRCh37 (hg19) VCF-style: chr1-237947954-TGG-T.
Other names: short protein forms G4316fs.
Identifiers: ClinVar variation 1390460 (VCV001390460.7), dbSNP rs2149355859, ClinGen allele CA2573132880.

ClinVar aggregate classification (germline): Uncertain significance (1 of 4 stars; one submission).

Conditions:
Catecholaminergic polymorphic ventricular tachycardia 1. Also called: VENTRICULAR TACHYCARDIA, CATECHOLAMINERGIC POLYMORPHIC, 1, WITH OR WITHOUT ATRIAL DYSFUNCTION AND/OR DILATED CARDIOMYOPATHY; VENTRICULAR TACHYCARDIA, STRESS-INDUCED POLYMORPHIC 1; RYR2-Related Catecholaminergic Polymorphic Ventricular Tachycardia. Identifiers: Orphanet 3286, MedGen C1631597, MONDO:0011484, OMIM 604772.

Submission:

Labcorp Genetics (formerly Invitae), Labcorp
Classification: Uncertain significance for Catecholaminergic polymorphic ventricular tachycardia 1. Last evaluated: 2021-10-31. Review status: criteria provided, single submitter. Criteria: Invitae Variant Classification Sherloc (09022015). Collection method: clinical testing. Allele origin: germline.
Comment: This sequence change creates a premature translational stop signal (p.Gly4316Lysfs*7) in the RYR2 gene. It is expected to result in an absent or disrupted protein product. However, the current clinical and genetic evidence is not sufficient to establish whether loss-of-function variants in RYR2 cause disease. This variant is not present in population databases (gnomAD no frequency). This variant has not been reported in the literature in individuals affected with RYR2-related conditions. In summary, the available evidence is currently insufficient to determine the role of this variant in disease. Therefore, it has been classified as a Variant of Uncertain Significance.